The following is an entry in ClinVar:

NM_001105206.3(LAMA4):c.8dup (p.Leu3fs)

Genes: LAMA4 (laminin subunit alpha 4; minus strand), LAMA4-AS1 (LAMA4 antisense RNA 1; plus strand). Cytogenetic location: 6q21.
Variant type: Duplication.
Coding change: c.8dup on transcript NM_001105206.3 (MANE Select); coding-DNA position 8, one base duplicated (T; older notation c.8dupT).
Protein change: p.Leu3fs; shifts the reading frame from leucine 3.
Molecular consequence: frameshift variant.
Genome position (GRCh38, 1-based): chr6:112,254,143, A duplicated on the plus strand (T on the coding strand, the reverse complement: LAMA4 is on the minus strand); the first of 3 consecutive A bases (chr6:112,254,143-112,254,145); duplicating any one gives the same sequence. VCF-style (leftmost placement, unchanged base first): chr6-112254142-C-CA. GRCh37 (hg19) VCF-style: chr6-112575344-C-CA.
Other names: c.8dupT (NM_002290.3); c.8dup, p.Leu3fs (NM_001105207.3, NM_001105208.3, NM_001105209.3 and 1 more transcripts); short protein forms L3fs.
Identifiers: ClinVar variation 3289937 (VCV003289937.2).

ClinVar aggregate classification (germline): Uncertain significance. Review status: criteria provided, multiple submitters, no conflicts (2 of 4 stars). 2 submissions from 2 submitters: Uncertain significance (2). Last evaluated 2026-01-28.

Conditions:
Dilated cardiomyopathy 1JJ (CMD1JJ). Identifiers: Orphanet 154, MedGen C3808935, MONDO:0014095, OMIM 615235.
Cardiovascular phenotype. Identifiers: MedGen CN230736.

Submissions (2):

Labcorp Genetics (formerly Invitae), Labcorp
Classification: Uncertain significance for Dilated cardiomyopathy 1JJ. Last evaluated: 2026-01-28. Review status: criteria provided, single submitter. Criteria: Invitae Variant Classification Sherloc (09022015). Collection method: clinical testing. Allele origin: germline.
Comment: This sequence change creates a premature translational stop signal (p.Leu3Phefs*33) in the LAMA4 gene. It is expected to result in an absent or disrupted protein product. However, the current clinical and genetic evidence is not sufficient to establish whether loss-of-function variants in LAMA4 cause disease. This variant is present in population databases (rs782444750, gnomAD 0.007%). This variant has not been reported in the literature in individuals affected with LAMA4-related conditions. ClinVar contains an entry for this variant (Variation ID: 3289937). In summary, the available evidence is currently insufficient to determine the role of this variant in disease. Therefore, it has been classified as a Variant of Uncertain Significance.

Ambry Genetics
Classification: Uncertain significance for Cardiovascular phenotype. Last evaluated: 2024-05-09. Review status: criteria provided, single submitter. Criteria: Ambry Variant Classification Scheme 2023. Collection method: clinical testing. Allele origin: germline.
Comment: The c.8dupT variant, located in coding exon 1 of the LAMA4 gene, results from a duplication of T at nucleotide position 8, causing a translational frameshift with a predicted alternate stop codon (p.L3Ffs*33). This alteration is expected to result in protein truncation or nonsense-mediated mRNA decay. However, loss of function of LAMA4 has not been established as a mechanism of disease. Based on the available evidence, the clinical significance of this alteration remains unclear.